The following is an entry in ClinVar:

ClinVar aggregate classification (germline): Likely pathogenic (0 of 4 stars; one submission).

Conditions:
P2RY12-related disorder. Also called: P2RY12-related condition.

Submission:

PreventionGenetics, part of Exact Sciences
Classification: Likely pathogenic for P2RY12-related condition. Last evaluated: 2024-03-03. Review status: no assertion criteria provided. Collection method: clinical testing. Allele origin: germline.
Comment: The P2RY12 c.561T>A variant is predicted to result in the amino acid substitution p.His187Gln. This variant was reported in the homozygous state in two siblings with bleeding diathesis (Lecchi et al. 2015. PubMed ID: 25428217). Crystallographic data and molecular modeling studies suggested that this variant is located in a region undergoing conformational changes and may impair conformational mobility. Functional studies in patient’s platelets and a cultured cell line showed decreased affinity for its ligand (Lecchi et al. 2015. PubMed ID: 25428217). This variant has not been reported in a large population database, indicating this variant is rare. This variant is interpreted as likely pathogenic.

NM_022788.5(P2RY12):c.561T>A (p.His187Gln)

Genes: MED12L (mediator complex subunit 12L; plus strand), P2RY12 (purinergic receptor P2Y12; minus strand). Cytogenetic location: 3q25.1.
Variant type: single nucleotide variant.
Coding change: c.561T>A on transcript NM_022788.5 (MANE Select); coding-DNA position 561, T replaced by A.
Protein change: p.His187Gln; replaces histidine 187 with glutamine.
Molecular consequence: missense variant. On other transcripts: intron variant (2).
Genome position (GRCh38, 1-based): chr3:151,338,285, A>T on the plus strand (T>A on the coding strand, the complement: P2RY12 is on the minus strand). VCF-style: chr3-151338285-A-T. GRCh37 (hg19) VCF-style: chr3-151056073-A-T.
Other names: c.561T>A, p.His187Gln (NM_176876.3); c.2251-11774A>T (NM_001393769.1); c.2146-11774A>T (NM_053002.6); short protein forms H187Q.
Identifiers: ClinVar variation 3054015 (VCV003054015.2), dbSNP rs923308300, ClinGen allele CA354980988.